The following is an entry in ClinVar:

ClinVar aggregate classification (germline): Uncertain significance. Review status: criteria provided, multiple submitters, no conflicts (2 of 4 stars). 2 submissions from 2 submitters: Uncertain significance (2). Last evaluated 2025-09-30.

Conditions:
Adams-Oliver syndrome 5 (AOS5). Identifiers: Orphanet 974, MedGen C4014970, MONDO:0014459, OMIM 616028.
Familial thoracic aortic aneurysm and aortic dissection (TAAD). Also called: Thoracic aortic aneurysms and dissections. Identifiers: Orphanet 91387, MedGen C4707243, MONDO:0019625.

Allele frequency attached by ClinVar (database versions not stated): TOPMed below 0.00001.

Submissions (2):

Labcorp Genetics (formerly Invitae), Labcorp
Classification: Uncertain significance for Adams-Oliver syndrome 5. Last evaluated: 2025-09-30. Review status: criteria provided, single submitter. Criteria: Invitae Variant Classification Sherloc (09022015). Collection method: clinical testing. Allele origin: germline.
Comment: This sequence change replaces asparagine, which is neutral and polar, with lysine, which is basic and polar, at codon 1203 of the NOTCH1 protein (p.Asn1203Lys). This variant is not present in population databases (gnomAD no frequency). This variant has not been reported in the literature in individuals affected with NOTCH1-related conditions. ClinVar contains an entry for this variant (Variation ID: 1027328). Invitae Evidence Modeling of protein sequence and biophysical properties (such as structural, functional, and spatial information, amino acid conservation, physicochemical variation, residue mobility, and thermodynamic stability) indicates that this missense variant is not expected to disrupt NOTCH1 protein function with a negative predictive value of 95%. In summary, the available evidence is currently insufficient to determine the role of this variant in disease. Therefore, it has been classified as a Variant of Uncertain Significance.

Ambry Genetics
Classification: Uncertain significance for Familial thoracic aortic aneurysm and aortic dissection. Last evaluated: 2022-04-19. Review status: criteria provided, single submitter. Criteria: Ambry Variant Classification Scheme 2023. Collection method: clinical testing. Allele origin: germline.
Comment: The p.N1203K variant (also known as c.3609C>A), located in coding exon 22 of the NOTCH1 gene, results from a C to A substitution at nucleotide position 3609. The asparagine at codon 1203 is replaced by lysine, an amino acid with similar properties. This amino acid position is conserved. In addition, the in silico prediction for this alteration is inconclusive. Since supporting evidence is limited at this time, the clinical significance of this alteration remains unclear.

NM_017617.5(NOTCH1):c.3609C>A (p.Asn1203Lys)

Gene: NOTCH1 (notch receptor 1; minus strand). Cytogenetic location: 9q34.3.
Variant type: single nucleotide variant.
Coding change: c.3609C>A on transcript NM_017617.5 (MANE Select); coding-DNA position 3609, C replaced by A.
Protein change: p.Asn1203Lys; replaces asparagine 1203 with lysine.
Molecular consequence: missense variant.
Genome position (GRCh38, 1-based): chr9:136,507,339, G>T on the plus strand (C>A on the coding strand, the complement: NOTCH1 is on the minus strand). VCF-style: chr9-136507339-G-T. GRCh37 (hg19) VCF-style: chr9-139401791-G-T.
Other names: short protein forms N1203K.
Identifiers: ClinVar variation 1027328 (VCV001027328.11), dbSNP rs1843104558, ClinGen allele CA375549734.
Genomic context (GRCh38, chr9:136,507,339, plus strand): 5'-CCAGCCCTCCGTGCAGCGGCCCTTACCCTGAGTGCCCCGTGGGCAGGAGCACTTGTAGGT[G>T]TTGGGGAGGTCGAGGCAGGTGCCCCCGTTCTGGCAGGGGTGGGAGAGGCACTCGTCGATC-3'
Protein context (NP_060087.3, residues 1193-1213): QNGGTCLDLP[Asn1203Lys]TYKCSCPRGT